The following is an entry in ClinVar:

ClinVar aggregate classification (germline): Uncertain significance (1 of 4 stars; one submission).

Conditions:
Hereditary cancer-predisposing syndrome. Also called: Tumor predisposition; Neoplastic Syndromes, Hereditary; Hereditary Cancer Syndrome; Hereditary neoplastic syndrome. Identifiers: Orphanet 140162, MedGen C0027672, MeSH D009386, MONDO:0015356.

gnomAD v4.1: 1 of 1,613,764 alleles (0.000062%); highest among the groups gnomAD compares: Non-Finnish European, 0.000085%; no homozygotes.

Submission:

Ambry Genetics
Classification: Uncertain significance for Hereditary cancer-predisposing syndrome. Last evaluated: 2024-10-04. Review status: criteria provided, single submitter. Criteria: Ambry Variant Classification Scheme 2023. Collection method: clinical testing. Allele origin: germline.
Comment: The p.M325I variant (also known as c.975G>A), located in coding exon 7 of the DICER1 gene, results from a G to A substitution at nucleotide position 975. The methionine at codon 325 is replaced by isoleucine, an amino acid with highly similar properties. This amino acid position is conserved. In addition, the in silico prediction for this alteration is inconclusive. Based on the available evidence, the clinical significance of this variant remains unclear.

NM_177438.3(DICER1):c.975G>A (p.Met325Ile)

Gene: DICER1 (dicer 1, ribonuclease III; minus strand). Cytogenetic location: 14q32.13.
Variant type: single nucleotide variant.
Coding change: c.975G>A on transcript NM_177438.3 (MANE Select); coding-DNA position 975, G replaced by A.
Protein change: p.Met325Ile; replaces methionine 325 with isoleucine.
Molecular consequence: missense variant. On other transcripts: 5 prime UTR variant (1), non-coding transcript variant (6).
Genome position (GRCh38, 1-based): chr14:95,124,597, C>T on the plus strand (G>A on the coding strand, the complement: DICER1 is on the minus strand). VCF-style: chr14-95124597-C-T. GRCh37 (hg19) VCF-style: chr14-95590934-C-T.
Other names: c.975G>A, p.Met325Ile (NM_001195573.1, NM_001271282.3, NM_001291628.2 and 14 more transcripts); c.693G>A, p.Met231Ile (NM_001395686.1); c.570G>A, p.Met190Ile (NM_001395687.1, NM_001395688.1, NM_001395689.1 and 3 more transcripts); c.408G>A, p.Met136Ile (NM_001395691.1); c.-594G>A (NM_001395697.1); short protein forms M325I, M190I, M136I, M231I.
Identifiers: ClinVar variation 3501915 (VCV003501915.1).